The following is an entry in ClinVar:

NM_058216.3(RAD51C):c.137T>C (p.Leu46Pro)

Gene: RAD51C (RAD51 paralog C; plus strand). Cytogenetic location: 17q22.
Variant type: single nucleotide variant.
Coding change: c.137T>C on transcript NM_058216.3 (MANE Select); coding-DNA position 137, T replaced by C.
Protein change: p.Leu46Pro; replaces leucine 46 with proline.
Molecular consequence: missense variant. On other transcripts: non-coding transcript variant (1).
Genome position (GRCh38, 1-based): chr17:58,692,780, T>C. VCF-style: chr17-58692780-T-C. GRCh37 (hg19) VCF-style: chr17-56770141-T-C.
Other names: c.137T>C, p.Leu46Pro (NM_002876.4, NM_058217.1); short protein forms L46P.
Identifiers: ClinVar variation 2763267 (VCV002763267.3), dbSNP rs2509262550, ClinGen allele CA400337784.
Genomic context (GRCh38, chr17:58,692,780, plus strand): 5'-AGCTGGTGTCTGCGGGGTTCCAGACTGCTGAGGAACTCCTAGAGGTGAAACCCTCCGAGC[T>C]TAGCAAAGGTAACGACTCCTGATGGCAAGCTGAGGCACACCGGCCGCCGTCAGCGCCGCC-3'
Protein context (NP_478123.1, residues 36-56): EELLEVKPSE[Leu46Pro]SKEVGISKAE

ClinVar aggregate classification (germline): Uncertain significance (1 of 4 stars; one submission).

Conditions:
Fanconi anemia complementation group O. Also called: RAD51C-Related Fanconi Anemia. Identifiers: Orphanet 84, MedGen C3150653, MONDO:0013248, OMIM 613390.

Submission:

Labcorp Genetics (formerly Invitae), Labcorp
Classification: Uncertain significance for Fanconi anemia complementation group O. Last evaluated: 2023-09-25. Review status: criteria provided, single submitter. Criteria: Invitae Variant Classification Sherloc (09022015). Collection method: clinical testing. Allele origin: germline.
Comment: In summary, the available evidence is currently insufficient to determine the role of this variant in disease. Therefore, it has been classified as a Variant of Uncertain Significance. Advanced modeling of protein sequence and biophysical properties (such as structural, functional, and spatial information, amino acid conservation, physicochemical variation, residue mobility, and thermodynamic stability) performed at Invitae indicates that this missense variant is expected to disrupt RAD51C protein function. This variant has not been reported in the literature in individuals affected with RAD51C-related conditions. This variant is not present in population databases (gnomAD no frequency). This sequence change replaces leucine, which is neutral and non-polar, with proline, which is neutral and non-polar, at codon 46 of the RAD51C protein (p.Leu46Pro).